The following is an entry in ClinVar:

ClinVar aggregate classification (germline): Uncertain significance (1 of 4 stars; one submission).

Conditions:
Neuropathy, hereditary sensory and autonomic, type 2A (HSAN2A). Also called: MORVAN DISEASE; NEUROPATHY, CONGENITAL SENSORY; NEUROPATHY, HEREDITARY SENSORY RADICULAR, AUTOSOMAL RECESSIVE; NEUROPATHY, HEREDITARY SENSORY, TYPE IIA; NEUROPATHY, PROGRESSIVE SENSORY, OF CHILDREN; ACROOSTEOLYSIS, GIACCAI TYPE. Identifiers: Orphanet 970, MedGen C2752089, MONDO:0024309, OMIM 201300.
Generalized epilepsy with febrile seizures plus, type 7 (GEFSP7). Also called: GEFS+, TYPE 7. Identifiers: Orphanet 36387, MedGen C2751778, MONDO:0013470, OMIM 613863.

Submission:

Labcorp Genetics (formerly Invitae), Labcorp
Classification: Uncertain significance for Neuropathy, hereditary sensory and autonomic, type 2A; Generalized epilepsy with febrile seizures plus, type 7. Last evaluated: 2020-04-23. Review status: criteria provided, single submitter. Criteria: Invitae Variant Classification Sherloc (09022015). Collection method: clinical testing. Allele origin: germline.
Comment: This sequence change replaces phenylalanine with valine at codon 1563 of the SCN9A protein (p.Phe1563Val). The phenylalanine residue is highly conserved and there is a small physicochemical difference between phenylalanine and valine. This variant is not present in population databases (ExAC no frequency). This variant has not been reported in the literature in individuals with SCN9A-related conditions. Algorithms developed to predict the effect of missense changes on protein structure and function (SIFT, PolyPhen-2, Align-GVGD) all suggest that this variant is likely to be disruptive, but these predictions have not been confirmed by published functional studies and their clinical significance is uncertain. In summary, the available evidence is currently insufficient to determine the role of this variant in disease. Therefore, it has been classified as a Variant of Uncertain Significance.

NM_001365536.1(SCN9A):c.4720T>G (p.Phe1574Val)

Genes: SCN1A-AS1 (SCN1A and SCN9A antisense RNA 1; plus strand), SCN9A (sodium voltage-gated channel alpha subunit 9; minus strand). Cytogenetic location: 2q24.3.
Variant type: single nucleotide variant.
Coding change: c.4720T>G on transcript NM_001365536.1 (MANE Select); coding-DNA position 4720, T replaced by G.
Protein change: p.Phe1574Val; replaces phenylalanine 1574 with valine.
Molecular consequence: missense variant.
Genome position (GRCh38, 1-based): chr2:166,204,009, A>C on the plus strand (T>G on the coding strand, the complement: SCN9A is on the minus strand). VCF-style: chr2-166204009-A-C. GRCh37 (hg19) VCF-style: chr2-167060519-A-C.
Other names: c.4687T>G, p.Phe1563Val (NM_002977.4); short protein forms F1563V, F1574V.
Identifiers: ClinVar variation 1059939 (VCV001059939.9), dbSNP rs2106346077, ClinGen allele CA349057359.